The following is an entry in ClinVar:

ClinVar aggregate classification (germline): Uncertain significance (1 of 4 stars; one submission).

gnomAD v4.1: 25 of 1,613,974 alleles (0.0015%); highest among the groups gnomAD compares: Non-Finnish European, 0.0021%; no homozygotes.

Submission:

Labcorp Genetics (formerly Invitae), Labcorp
Classification: Uncertain significance. Last evaluated: 2025-06-22. Review status: criteria provided, single submitter. Criteria: Invitae Variant Classification Sherloc (09022015). Collection method: clinical testing. Allele origin: germline.
Comment: This sequence change replaces glutamine, which is neutral and polar, with arginine, which is basic and polar, at codon 281 of the CFHR5 protein (p.Gln281Arg). This variant is not present in population databases (gnomAD no frequency). This variant has not been reported in the literature in individuals affected with CFHR5-related conditions. Invitae Evidence Modeling of protein sequence and biophysical properties (such as structural, functional, and spatial information, amino acid conservation, physicochemical variation, residue mobility, and thermodynamic stability) indicates that this missense variant is not expected to disrupt CFHR5 protein function with a negative predictive value of 80%. In summary, the available evidence is currently insufficient to determine the role of this variant in disease. Therefore, it has been classified as a Variant of Uncertain Significance.

NM_030787.4(CFHR5):c.842A>G (p.Gln281Arg)

Gene: CFHR5 (complement factor H related 5; plus strand). Cytogenetic location: 1q31.3.
Variant type: single nucleotide variant.
Coding change: c.842A>G on transcript NM_030787.4 (MANE Select); coding-DNA position 842, A replaced by G.
Protein change: p.Gln281Arg; replaces glutamine 281 with arginine.
Molecular consequence: missense variant.
Genome position (GRCh38, 1-based): chr1:196,996,073, A>G. VCF-style: chr1-196996073-A-G. GRCh37 (hg19) VCF-style: chr1-196965203-A-G.
Other names: short protein forms Q281R.
Identifiers: ClinVar variation 4769419 (VCV004769419.1).